The following is an entry in ClinVar:

ClinVar aggregate classification (germline): Uncertain significance (1 of 4 stars; one submission).

gnomAD v4.1: 11 of 1,614,100 alleles (0.00068%); no homozygotes.

Submission:

Ambry Genetics
Classification: Uncertain significance. Last evaluated: 2024-08-19. Review status: criteria provided, single submitter. Criteria: Ambry Variant Classification Scheme 2023. Collection method: clinical testing. Allele origin: germline.
Comment: The p.K1210T variant (also known as c.3629A>C), located in coding exon 17 of the NPAT gene, results from an A to C substitution at nucleotide position 3629. The lysine at codon 1210 is replaced by threonine, an amino acid with similar properties. This amino acid position is conserved. In addition, this alteration is predicted to be tolerated by in silico analysis. Based on the available evidence, the clinical significance of this variant remains unclear.

NM_002519.3(NPAT):c.3629A>C (p.Lys1210Thr)

Gene: NPAT (nuclear protein, coactivator of histone transcription; minus strand). Cytogenetic location: 11q22.3.
Variant type: single nucleotide variant.
Coding change: c.3629A>C on transcript NM_002519.3 (MANE Select); coding-DNA position 3629, A replaced by C.
Protein change: p.Lys1210Thr; replaces lysine 1210 with threonine.
Molecular consequence: missense variant.
Genome position (GRCh38, 1-based): chr11:108,161,457, T>G on the plus strand (A>C on the coding strand, the complement: NPAT is on the minus strand). VCF-style: chr11-108161457-T-G. GRCh37 (hg19) VCF-style: chr11-108032184-T-G.
Other names: c.3650A>C, p.Lys1217Thr (NM_001321307.1); short protein forms K1210T, K1217T.
Identifiers: ClinVar variation 3407196 (VCV003407196.1).
Genomic context (GRCh38, chr11:108,161,457, plus strand): 5'-AGATCCTTCACAGCTGTACCTACTGAAAGTACATTTTTATTGTTTGAAGATGTGCCTTGT[T>G]TTTTGGTCATTTCTTGCAGTGAAGCTATAGATTTCTCACTTCGCAAACCCCCATTTTGCT-3'
Protein context (NP_002510.2, residues 1200-1220): SIASLQEMTK[Lys1210Thr]QGTSSNNKNV